The following is an entry in ClinVar:

NM_005896.4(IDH1):c.851G>C (p.Gly284Ala)

Gene: IDH1 (isocitrate dehydrogenase (NADP(+)) 1; minus strand). Cytogenetic location: 2q34.
Variant type: single nucleotide variant.
Coding change: c.851G>C on transcript NM_005896.4 (MANE Select); coding-DNA position 851, G replaced by C.
Protein change: p.Gly284Ala; replaces glycine 284 with alanine.
Molecular consequence: missense variant.
Genome position (GRCh38, 1-based): chr2:208,240,003, C>G on the plus strand (G>C on the coding strand, the complement: IDH1 is on the minus strand). VCF-style: chr2-208240003-C-G. GRCh37 (hg19) VCF-style: chr2-209104727-C-G.
Other names: c.851G>C, p.Gly284Ala (NM_001282386.1, NM_001282387.1); short protein forms G284A.
Identifiers: ClinVar variation 2567501 (VCV002567501.2), dbSNP rs1386075261, ClinGen allele CA350095659.

ClinVar aggregate classification (germline): Uncertain significance (1 of 4 stars; one submission).

Allele frequency attached by ClinVar (database versions not stated): gnomAD exomes below 0.00001.
gnomAD v4.1: 1 of 1,614,126 alleles (0.000062%); highest among the groups gnomAD compares: Non-Finnish European, 0.000085%; no homozygotes.

Submission:

Ambry Genetics
Classification: Uncertain significance. Last evaluated: 2023-04-01. Review status: criteria provided, single submitter. Criteria: Ambry Variant Classification Scheme 2023. Collection method: clinical testing. Allele origin: germline.
Comment: The p.G284A variant (also known as c.851G>C) is located in coding exon 6 of the IDH1 gene. The glycine at codon 284 is replaced by alanine, an amino acid with similar properties. This change occurs in the first base pair of coding exon 6. This amino acid position is conserved. In addition, this alteration is predicted to be deleterious by in silico analysis. Since supporting evidence is limited at this time, the clinical significance of this alteration remains unclear.